The following is an entry in ClinVar:

ClinVar aggregate classification (germline): Uncertain significance (1 of 4 stars; one submission).

Conditions:
Arrhythmogenic right ventricular dysplasia 9 (ARVD9). Also called: Arrhythmogenic Right Ventricular Dysplasia/Cardiomyopathy 9; ARRHYTHMOGENIC RIGHT VENTRICULAR DYSPLASIA, FAMILIAL, 9. Identifiers: MedGen C1836906, MONDO:0012180, OMIM 609040.

Submission:

Labcorp Genetics (formerly Invitae), Labcorp
Classification: Uncertain significance for Arrhythmogenic right ventricular dysplasia 9. Last evaluated: 2025-10-13. Review status: criteria provided, single submitter. Criteria: Invitae Variant Classification Sherloc (09022015). Collection method: clinical testing. Allele origin: germline.
Comment: This sequence change replaces glutamic acid, which is acidic and polar, with aspartic acid, which is acidic and polar, at codon 303 of the PKP2 protein (p.Glu303Asp). This variant is not present in population databases (gnomAD no frequency). This variant has not been reported in the literature in individuals affected with PKP2-related conditions. An algorithm developed to predict the effect of missense changes on protein structure and function outputs the following: PolyPhen-2: "Benign". The aspartic acid amino acid residue is found in multiple mammalian species, which suggests that this missense change does not adversely affect protein function. In summary, the available evidence is currently insufficient to determine the role of this variant in disease. Therefore, it has been classified as a Variant of Uncertain Significance.

NM_001005242.3(PKP2):c.909A>T (p.Glu303Asp)

Gene: PKP2 (plakophilin 2; minus strand). Cytogenetic location: 12p11.21.
Variant type: single nucleotide variant.
Coding change: c.909A>T on transcript NM_001005242.3 (MANE Select); coding-DNA position 909, A replaced by T.
Protein change: p.Glu303Asp; replaces glutamic acid 303 with aspartic acid.
Molecular consequence: missense variant.
Genome position (GRCh38, 1-based): chr12:32,877,971, T>A on the plus strand (A>T on the coding strand, the complement: PKP2 is on the minus strand). VCF-style: chr12-32877971-T-A. GRCh37 (hg19) VCF-style: chr12-33030905-T-A.
Other names: c.909A>T, p.Glu303Asp (NM_001407155.1, NM_001407156.1, NM_001407157.1 and 2 more transcripts); c.582A>T, p.Glu194Asp (NM_001407158.1, NM_001407159.1, NM_001407160.1 and 1 more transcripts); short protein forms E194D, E303D.
Identifiers: ClinVar variation 4728743 (VCV004728743.1).